The following is an entry in ClinVar:

ClinVar aggregate classification (germline): Benign/Likely benign. Review status: criteria provided, multiple submitters, no conflicts (2 of 4 stars). 3 submissions from 3 submitters: Benign (1); Likely benign (2). Last evaluated 2024-10-12.

Conditions:
Hereditary cancer-predisposing syndrome. Also called: Tumor predisposition; Hereditary Cancer Syndrome; Hereditary neoplastic syndrome; Neoplastic Syndromes, Hereditary. Identifiers: Orphanet 140162, MedGen C0027672, MeSH D009386, MONDO:0015356.
Hereditary diffuse gastric adenocarcinoma (HDGC). Also called: DIFFUSE GASTRIC AND LOBULAR BREAST CANCER SYNDROME. Identifiers: Orphanet 26106, MedGen C1708349, MONDO:0007648, OMIM 137215.

Submissions (3):

Labcorp Genetics (formerly Invitae), Labcorp
Classification: Likely benign for Hereditary diffuse gastric adenocarcinoma. Last evaluated: 2024-10-12. Review status: criteria provided, single submitter. Criteria: Invitae Variant Classification Sherloc (09022015). Collection method: clinical testing. Allele origin: germline.

Myriad Genetics, Inc.
Classification: Benign for Hereditary diffuse gastric adenocarcinoma. Last evaluated: 2024-09-10. Review status: criteria provided, single submitter. Criteria: Myriad Autosomal Dominant, Autosomal Recessive and X-Linked Classification Criteria (2023). Collection method: clinical testing. Allele origin: unknown.
Comment: This variant is considered benign. This variant is a silent/synonymous amino acid change and it is not expected to impact splicing.

Ambry Genetics
Classification: Likely benign for Hereditary cancer-predisposing syndrome. Last evaluated: 2016-06-10. Review status: criteria provided, single submitter. Criteria: Ambry Variant Classification Scheme 2023. Collection method: clinical testing. Allele origin: germline.

NM_004360.5(CDH1):c.18C>A (p.Arg6=)

Gene: CDH1 (cadherin 1; plus strand). Cytogenetic location: 16q22.1.
Variant type: single nucleotide variant.
Coding change: c.18C>A on transcript NM_004360.5 (MANE Select); coding-DNA position 18, C replaced by A.
Protein change: p.Arg6=; no amino-acid change (arginine 6 retained).
Molecular consequence: synonymous variant. On other transcripts: 5 prime UTR variant (2).
Genome position (GRCh38, 1-based): chr16:68,737,433, C>A. VCF-style: chr16-68737433-C-A. GRCh37 (hg19) VCF-style: chr16-68771336-C-A.
Other names: c.18C>A (LRG_301t1); c.18C>A, p.Arg6= (NM_001317184.2); c.-1598C>A (NM_001317185.2); c.-1802C>A (NM_001317186.2).
Identifiers: ClinVar variation 184145 (VCV000184145.8), dbSNP rs786201300, ClinGen allele CA187965.